The following is an entry in ClinVar:

NM_002049.4(GATA1):c.166G>A (p.Ala56Thr)

Gene: GATA1 (GATA binding protein 1; plus strand). Cytogenetic location: Xp11.23.
Variant type: single nucleotide variant.
Coding change: c.166G>A on transcript NM_002049.4 (MANE Select); coding-DNA position 166, G replaced by A.
Protein change: p.Ala56Thr; replaces alanine 56 with threonine.
Molecular consequence: missense variant.
Genome position (GRCh38, 1-based): chrX:48,791,275, G>A. VCF-style: chrX-48791275-G-A. GRCh37 (hg19) VCF-style: chrX-48649682-G-A.
Other names: short protein forms A56T.
Identifiers: ClinVar variation 1720057 (VCV001720057.6), dbSNP rs2519343805, ClinGen allele CA412867133.

ClinVar aggregate classification (germline): Uncertain significance (1 of 4 stars; one submission).

Conditions:
GATA binding protein 1 related thrombocytopenia with dyserythropoiesis. Also called: GATA1-Related Cytopenia; GATA1-Related X-Linked Cytopenia. Identifiers: MedGen C1845837, MONDO:0100089.
Diamond-Blackfan anemia. Also called: Blackfan Diamond syndrome; Aregenerative anemia chronic congenital; Red cell aplasia, pure hereditary; Congenital hypoplastic anemia; Aase syndrome. Identifiers: Orphanet 124, MedGen C1260899, MeSH D029503, MONDO:0015253, HP:0004810.

Submission:

Labcorp Genetics (formerly Invitae), Labcorp
Classification: Uncertain significance for GATA binding protein 1 related thrombocytopenia with dyserythropoiesis; Diamond-Blackfan anemia. Last evaluated: 2022-09-28. Review status: criteria provided, single submitter. Criteria: Invitae Variant Classification Sherloc (09022015). Collection method: clinical testing. Allele origin: germline.
Comment: This sequence change replaces alanine, which is neutral and non-polar, with threonine, which is neutral and polar, at codon 56 of the GATA1 protein (p.Ala56Thr). This variant has not been reported in the literature in individuals affected with GATA1-related conditions. Advanced modeling of protein sequence and biophysical properties (such as structural, functional, and spatial information, amino acid conservation, physicochemical variation, residue mobility, and thermodynamic stability) performed at Invitae indicates that this missense variant is not expected to disrupt GATA1 protein function. In summary, the available evidence is currently insufficient to determine the role of this variant in disease. Therefore, it has been classified as a Variant of Uncertain Significance. This variant is not present in population databases (gnomAD no frequency).